The following is an entry in ClinVar:

NM_002500.5(NEUROD1):c.127C>T (p.Leu43Phe)

Gene: NEUROD1 (neuronal differentiation 1; minus strand). Cytogenetic location: 2q31.3.
Variant type: single nucleotide variant.
Coding change: c.127C>T on transcript NM_002500.5 (MANE Select); coding-DNA position 127, C replaced by T.
Protein change: p.Leu43Phe; replaces leucine 43 with phenylalanine.
Molecular consequence: missense variant.
Genome position (GRCh38, 1-based): chr2:181,678,734, G>A on the plus strand (C>T on the coding strand, the complement: NEUROD1 is on the minus strand). VCF-style: chr2-181678734-G-A. GRCh37 (hg19) VCF-style: chr2-182543461-G-A.
Other names: short protein forms L43F.
Identifiers: ClinVar variation 4699750 (VCV004699750.1).

ClinVar aggregate classification (germline): Uncertain significance (1 of 4 stars; one submission).

gnomAD v4.1: 47 of 1,612,196 alleles (0.0029%); highest among the groups gnomAD compares: South Asian, 0.049%; 1 homozygote.

Submission:

Labcorp Genetics (formerly Invitae), Labcorp
Classification: Uncertain significance. Last evaluated: 2025-10-02. Review status: criteria provided, single submitter. Criteria: Invitae Variant Classification Sherloc (09022015). Collection method: clinical testing. Allele origin: germline.
Comment: This sequence change replaces leucine, which is neutral and non-polar, with phenylalanine, which is neutral and non-polar, at codon 43 of the NEUROD1 protein (p.Leu43Phe). This variant is present in population databases (rs771488308, gnomAD 0.06%). This variant has not been reported in the literature in individuals affected with NEUROD1-related conditions. Invitae Evidence Modeling of protein sequence and biophysical properties (such as structural, functional, and spatial information, amino acid conservation, physicochemical variation, residue mobility, and thermodynamic stability) indicates that this missense variant is not expected to disrupt NEUROD1 protein function with a negative predictive value of 80%. In summary, the available evidence is currently insufficient to determine the role of this variant in disease. Therefore, it has been classified as a Variant of Uncertain Significance.